The following is an entry in ClinVar:

NM_024675.4(PALB2):c.1773A>G (p.Pro591=)

Gene: PALB2 (partner and localizer of BRCA2; minus strand). Cytogenetic location: 16p12.2.
Variant type: single nucleotide variant.
Coding change: c.1773A>G on transcript NM_024675.4 (MANE Select); coding-DNA position 1773, A replaced by G.
Protein change: p.Pro591=; no amino-acid change (proline 591 retained).
Molecular consequence: synonymous variant.
Genome position (GRCh38, 1-based): chr16:23,630,381, T>C on the plus strand (A>G on the coding strand, the complement: PALB2 is on the minus strand). VCF-style: chr16-23630381-T-C. GRCh37 (hg19) VCF-style: chr16-23641702-T-C.
Identifiers: ClinVar variation 750637 (VCV000750637.23), dbSNP rs1597091237, ClinGen allele CA494461389.

ClinVar aggregate classification (germline): Benign/Likely benign. Review status: criteria provided, multiple submitters, no conflicts (2 of 4 stars). 5 submissions from 5 submitters: Benign (1); Likely benign (4). Last evaluated 2025-08-01.

Conditions:
Familial cancer of breast. Also called: BREAST CANCER, FAMILIAL; Hereditary breast cancer; hereditary breast carcinoma. Identifiers: Orphanet 227535, MedGen C0346153, MONDO:0016419, OMIM 114480. Disease mechanism: loss of function.
Hereditary cancer-predisposing syndrome. Also called: Hereditary Cancer Syndrome; Tumor predisposition; Hereditary neoplastic syndrome; Neoplastic Syndromes, Hereditary. Identifiers: Orphanet 140162, MedGen C0027672, MeSH D009386, MONDO:0015356.

Allele frequency attached by ClinVar (database versions not stated): gnomAD exomes below 0.00001.

Submissions (5):

CeGaT Center for Human Genetics Tuebingen
Classification: Likely benign. Last evaluated: 2025-08-01. Review status: criteria provided, single submitter. Criteria: CeGaT Center For Human Genetics Tuebingen Variant Classification Criteria Version 2. Collection method: clinical testing. Allele origin: germline. Affected: yes. Observed: 1 variant allele.
Comment: PALB2: BP4, BP7

Center for Genomic Medicine, Rigshospitalet, Copenhagen University Hospital
Classification: Likely benign. Last evaluated: 2025-03-04. Review status: criteria provided, single submitter. Criteria: ACMG Guidelines, 2015. Collection method: clinical testing. Allele origin: germline.

Myriad Genetics, Inc.
Classification: Benign for Familial cancer of breast. Last evaluated: 2025-01-14. Review status: criteria provided, single submitter. Criteria: Myriad Autosomal Dominant, Autosomal Recessive and X-Linked Classification Criteria (2023). Collection method: clinical testing. Allele origin: unknown.
Comment: This variant is considered benign. This variant is a silent/synonymous amino acid change and it is not expected to impact splicing.

Labcorp Genetics (formerly Invitae), Labcorp
Classification: Likely benign for Familial cancer of breast. Last evaluated: 2024-07-01. Review status: criteria provided, single submitter. Criteria: Invitae Variant Classification Sherloc (09022015). Collection method: clinical testing. Allele origin: germline.

Ambry Genetics
Classification: Likely benign for Hereditary cancer-predisposing syndrome. Last evaluated: 2021-01-04. Review status: criteria provided, single submitter. Criteria: Ambry Variant Classification Scheme 2023. Collection method: clinical testing. Allele origin: germline.